The following is an entry in ClinVar:

ClinVar aggregate classification (germline): Pathogenic (1 of 4 stars; one submission).

Conditions:
Parathyroid carcinoma (PRTC). Also called: CDC73-Related Parathyroid Carcinoma; Parathyroid gland carcinoma. Identifiers: Orphanet 143, MedGen C0687150, MONDO:0012004, OMIM 608266, HP:0006780.

Submission:

Labcorp Genetics (formerly Invitae), Labcorp
Classification: Pathogenic for Parathyroid carcinoma. Last evaluated: 2022-02-05. Review status: criteria provided, single submitter. Criteria: Invitae Variant Classification Sherloc (09022015). Collection method: clinical testing. Allele origin: germline.
Comment: For these reasons, this variant has been classified as Pathogenic. This variant has not been reported in the literature in individuals affected with CDC73-related conditions. This variant is a gross deletion of the genomic region encompassing exon(s) 1-11 of the CDC73 gene, which includes the initiator codon. This deletion extends beyond the assayed region for this gene and therefore may encompass additional genes. It is expected to result in an absent or disrupted protein product. Loss-of-function variants in CDC73 are known to be pathogenic (PMID: 12434154).

Literature cited by the submitters: PubMed 12434154.

NC_000001.10:g.(?_193091331)_(193172992_?)del

Genes: B3GALT2 (beta-1,3-galactosyltransferase 2; minus strand), CDC73 (cell division cycle 73; plus strand). Cytogenetic location: 1q31.2.
Variant type: Deletion.
Identifiers: ClinVar variation 1455935 (VCV001455935.5).